The following is an entry in ClinVar:

NM_006206.6(PDGFRA):c.160G>A (p.Glu54Lys)

Gene: PDGFRA (platelet derived growth factor receptor alpha; plus strand). Cytogenetic location: 4q12.
Variant type: single nucleotide variant.
Coding change: c.160G>A on transcript NM_006206.6 (MANE Select); coding-DNA position 160, G replaced by A.
Protein change: p.Glu54Lys; replaces glutamic acid 54 with lysine.
Molecular consequence: missense variant.
Genome position (GRCh38, 1-based): chr4:54,261,205, G>A. VCF-style: chr4-54261205-G-A. GRCh37 (hg19) VCF-style: chr4-55127372-G-A.
Other names: c.160G>A (NM_006206.4); c.160G>A, p.Glu54Lys (NM_001347827.2, NM_001347829.2); c.235G>A, p.Glu79Lys (NM_001347828.2); c.199G>A, p.Glu67Lys (NM_001347830.2); short protein forms E54K, E67K, E79K.
Identifiers: ClinVar variation 1055850 (VCV001055850.10), dbSNP rs1577705165, ClinGen allele CA356888377.

ClinVar aggregate classification (germline): Uncertain significance. Review status: criteria provided, multiple submitters, no conflicts (2 of 4 stars). 2 submissions from 2 submitters: Uncertain significance (2). Last evaluated 2026-07-29.

Conditions:
Gastrointestinal stromal tumor. Also called: Gastrointestinal stromal tumor, somatic; Gastrointestinal stroma tumor. Identifiers: Orphanet 44890, MedGen C0238198, MeSH D046152, MONDO:0011719, OMIM 606764, HP:0100723.
Hereditary cancer-predisposing syndrome. Also called: Tumor predisposition; Hereditary Cancer Syndrome; Hereditary neoplastic syndrome; Neoplastic Syndromes, Hereditary. Identifiers: Orphanet 140162, MedGen C0027672, MeSH D009386, MONDO:0015356.

Submissions (2):

Ambry Genetics
Classification: Uncertain significance for Hereditary cancer-predisposing syndrome. Last evaluated: 2026-07-29. Review status: criteria provided, single submitter. Criteria: Ambry Variant Classification Scheme 2023. Collection method: clinical testing. Allele origin: germline.
Comment: The p.E54K variant (also known as c.160G>A), located in coding exon 2 of the PDGFRA gene, results from a G to A substitution at nucleotide position 160. The glutamic acid at codon 54 is replaced by lysine, an amino acid with similar properties. This amino acid position is highly conserved in available vertebrate species. In addition, this alteration is predicted to be tolerated by in silico analysis. Based on the available evidence, the clinical significance of this variant remains unclear.

Labcorp Genetics (formerly Invitae), Labcorp
Classification: Uncertain significance for Gastrointestinal stromal tumor. Last evaluated: 2020-08-20. Review status: criteria provided, single submitter. Criteria: Invitae Variant Classification Sherloc (09022015). Collection method: clinical testing. Allele origin: germline.
Comment: This sequence change replaces glutamic acid with lysine at codon 54 of the PDGFRA protein (p.Glu54Lys). The glutamic acid residue is moderately conserved and there is a small physicochemical difference between glutamic acid and lysine. This variant is not present in population databases (ExAC no frequency). This variant has not been reported in the literature in individuals with PDGFRA-related conditions. Algorithms developed to predict the effect of missense changes on protein structure and function (SIFT, PolyPhen-2, Align-GVGD) all suggest that this variant is likely to be tolerated, but these predictions have not been confirmed by published functional studies and their clinical significance is uncertain. In summary, the available evidence is currently insufficient to determine the role of this variant in disease. Therefore, it has been classified as a Variant of Uncertain Significance.